The following is an entry in ClinVar:

ClinVar aggregate classification (germline): Uncertain significance (1 of 4 stars; one submission).

gnomAD v4.1: 4 of 1,612,882 alleles (0.00025%); highest among the groups gnomAD compares: Admixed American, 0.005%; no homozygotes.

Submission:

Athena Diagnostics
Classification: Uncertain significance. Last evaluated: 2024-10-04. Review status: criteria provided, single submitter. Criteria: Athena Diagnostics Criteria. Collection method: clinical testing. Allele origin: unknown.
Comment: Available data are insufficient to determine the clinical significance of the variant at this time. The frequency of this variant in the general population is uninformative in assessment of its pathogenicity. Polyphen and MutationTaster predict this amino acid change may be damaging to the protein.

NM_017668.3(NDE1):c.50A>G (p.Tyr17Cys)

Gene: NDE1 (nudE neurodevelopment protein 1; plus strand). Cytogenetic location: 16p13.11.
Variant type: single nucleotide variant.
Coding change: c.50A>G on transcript NM_017668.3 (MANE Select); coding-DNA position 50, A replaced by G.
Protein change: p.Tyr17Cys; replaces tyrosine 17 with cysteine.
Molecular consequence: missense variant.
Genome position (GRCh38, 1-based): chr16:15,664,828, A>G. VCF-style: chr16-15664828-A-G. GRCh37 (hg19) VCF-style: chr16-15758685-A-G.
Other names: c.50A>G, p.Tyr17Cys (NM_001143979.2); short protein forms Y17C.
Identifiers: ClinVar variation 3571855 (VCV003571855.1).
Genomic context (GRCh38, chr16:15,664,828, plus strand): 5'-CTGTTTTCACAATGGAGGACTCCGGAAAGACTTTCAGCTCCGAGGAGGAAGAAGCTAACT[A>G]TTGGAAAGATCTGGCGATGACCTACAAACAGAGGTCAGTCCGAGTTCACCTGCTTTTCCT-3'
Protein context (NP_060138.1, residues 7-27): TFSSEEEEAN[Tyr17Cys]WKDLAMTYKQ